The following is an entry in ClinVar:

ClinVar aggregate classification (germline): Benign. Review status: criteria provided, multiple submitters, no conflicts (2 of 4 stars). 2 submissions from 2 submitters: Benign (2). Last evaluated 2021-07-14.

Conditions:
Congenital myasthenic syndrome 8. Also called: MYASTHENIC SYNDROME, CONGENITAL, DUE TO AGRIN DEFICIENCY; Myasthenic syndrome, congenital, 8, with pre- and postsynaptic defects. Identifiers: Orphanet 590, MedGen C3808739, MONDO:0014052, OMIM 615120.

Allele frequency attached by ClinVar (database versions not stated): gnomAD 0.45112 and 0.50320; 1000 Genomes Project 30x 0.53248; gnomAD exomes 0.61010; 1000 Genomes Project 0.92053.

Submissions (2):

Genome-Nilou Lab
Classification: Benign for Congenital myasthenic syndrome 8. Last evaluated: 2021-07-14. Review status: criteria provided, single submitter. Criteria: ACMG Guidelines, 2015. Collection method: clinical testing. Allele origin: germline. Affected: no.

GeneDx
Classification: Benign. Last evaluated: 2018-06-16. Review status: criteria provided, single submitter. Criteria: GeneDx Variant Classification (06012015). Collection method: clinical testing. Allele origin: germline. Affected: yes.
Comment: This variant is considered likely benign or benign based on one or more of the following criteria: it is a conservative change, it occurs at a poorly conserved position in the protein, it is predicted to be benign by multiple in silico algorithms, and/or has population frequency not consistent with disease.

NM_198576.4(AGRN):c.4106-75_4106-74del

Gene: AGRN (agrin; plus strand). Cytogenetic location: 1p36.33.
Variant type: Deletion.
Coding change: c.4106-75_4106-74del on transcript NM_198576.4 (MANE Select); 75 bases into the intron before coding-DNA position 4106 through 74 bases into the intron before coding-DNA position 4106, 2 bases deleted (AG; older notation c.4106-75_4106-74delAG).
Molecular consequence: intron variant.
Genome position (GRCh38, 1-based): chr1:1,048,792-1,048,793, AG deleted. VCF-style (leftmost placement, unchanged base first): chr1-1048791-CAG-C. GRCh37 (hg19) VCF-style: chr1-984171-CAG-C.
Other names: c.4106-75_4106-74del (NM_001305275.2); c.3791-75_3791-74del (NM_001364727.2).
Identifiers: ClinVar variation 679293 (VCV000679293.4), dbSNP rs140904842, ClinGen allele CA16700323.